The following is an entry in ClinVar:

ClinVar aggregate classification (germline): Uncertain significance. Review status: criteria provided, multiple submitters, no conflicts (2 of 4 stars). 2 submissions from 2 submitters: Uncertain significance (2). Last evaluated 2025-09-25.

Conditions:
Early Myoclonic Encephalopathy. Identifiers: MedGen C0270855.

Allele frequency attached by ClinVar (database versions not stated): gnomAD exomes 0.00007; TOPMed 0.00005; gnomAD 0.00002 and 0.00003; ExAC 0.00005.
gnomAD v4.1: 80 of 1,592,880 alleles (0.005%); highest among the groups gnomAD compares: Non-Finnish European, 0.0064%; 1 homozygote.

Submissions (2):

Ambry Genetics
Classification: Uncertain significance. Last evaluated: 2025-09-25. Review status: criteria provided, single submitter. Criteria: Ambry Variant Classification Scheme 2023. Collection method: clinical testing. Allele origin: germline.

Labcorp Genetics (formerly Invitae), Labcorp
Classification: Uncertain significance for Early Myoclonic Encephalopathy. Last evaluated: 2021-10-08. Review status: criteria provided, single submitter. Criteria: Invitae Variant Classification Sherloc (09022015). Collection method: clinical testing. Allele origin: germline.
Comment: This sequence change replaces arginine with tryptophan at codon 968 of the JMJD1C protein (p.Arg968Trp). The arginine residue is moderately conserved and there is a moderate physicochemical difference between arginine and tryptophan. This variant is present in population databases (rs745565258, ExAC 0.009%). This variant has not been reported in the literature in individuals affected with JMJD1C-related conditions. Algorithms developed to predict the effect of missense changes on protein structure and function are either unavailable or do not agree on the potential impact of this missense change (SIFT: "Deleterious"; PolyPhen-2: "Probably Damaging"; Align-GVGD: "Class C0"). In summary, the available evidence is currently insufficient to determine the role of this variant in disease. Therefore, it has been classified as a Variant of Uncertain Significance.

NM_032776.3(JMJD1C):c.2902C>T (p.Arg968Trp)

Gene: JMJD1C (jumonji domain containing 1C; minus strand). Cytogenetic location: 10q21.3.
Variant type: single nucleotide variant.
Coding change: c.2902C>T on transcript NM_032776.3 (MANE Select); coding-DNA position 2902, C replaced by T.
Protein change: p.Arg968Trp; replaces arginine 968 with tryptophan.
Molecular consequence: missense variant. On other transcripts: non-coding transcript variant (1).
Genome position (GRCh38, 1-based): chr10:63,208,767, G>A on the plus strand (C>T on the coding strand, the complement: JMJD1C is on the minus strand). VCF-style: chr10-63208767-G-A. GRCh37 (hg19) VCF-style: chr10-64968527-G-A.
Other names: c.2356C>T, p.Arg786Trp (NM_001282948.2, NM_001318154.2); c.2038C>T, p.Arg680Trp (NM_001318153.2); c.2788C>T, p.Arg930Trp (NM_001322252.2); c.2245C>T, p.Arg749Trp (NM_001322254.2, NM_001322258.2); c.2902C>T (NM_032776.1); short protein forms R786W, R680W, R749W, R930W, R968W.
Identifiers: ClinVar variation 1440170 (VCV001440170.4), dbSNP rs745565258, ClinGen allele CA5518519.
Genomic context (GRCh38, chr10:63,208,767, plus strand): 5'-TTCCAGTCTGTGACCTATTTAGATCCAGGTCATTTTTGGCTGATGTGGATGCAACAGACC[G>A]TAATGGTTCCATAAAAGCTTTTCTTTCTAATTCTCTGTAAAGAAAATACACAAATATTTC-3'
Protein context (NP_116165.1, residues 958-978): LERKAFMEPL[Arg968Trp]SVASTSAKND